The following is an entry in ClinVar:

NM_001082486.1(ACD):c.94G>A (p.Gly32Ser)

Genes: ACD (ACD shelterin complex subunit and telomerase recruitment factor; minus strand), LOC130059224 (ATAC-STARR-seq lymphoblastoid silent region 7617; plus strand). Cytogenetic location: 16q22.1.
Variant type: single nucleotide variant.
Coding change: c.94G>A on transcript NM_001082486.1; coding-DNA position 94, G replaced by A.
Protein change: p.Gly32Ser; replaces glycine 32 with serine.
Genome position (GRCh38, 1-based): chr16:67,660,385, C>T on the plus strand (G>A on the coding strand, the complement: ACD is on the minus strand). VCF-style: chr16-67660385-C-T. GRCh37 (hg19) VCF-style: chr16-67694288-C-T.
Other names: short protein forms G32S.
Identifiers: ClinVar variation 2566762 (VCV002566762.2), dbSNP rs761628896, ClinGen allele CA396359815.

ClinVar aggregate classification (germline): Uncertain significance (1 of 4 stars; one submission).

Conditions:
Inborn genetic diseases. Identifiers: MedGen C0950123, MeSH D030342.

Submission:

Ambry Genetics
Classification: Uncertain significance for Inborn genetic diseases. Last evaluated: 2023-04-28. Review status: criteria provided, single submitter. Criteria: Ambry Variant Classification Scheme 2023. Collection method: clinical testing. Allele origin: germline.
Comment: The p.G32S variant (also known as c.94G>A), located in coding exon 1 of the ACD gene, results from a G to A substitution at nucleotide position 94. The glycine at codon 32 is replaced by serine, an amino acid with similar properties. This amino acid position is conserved. In addition, this alteration is predicted to be tolerated by in silico analysis. Since supporting evidence is limited at this time, the clinical significance of this alteration remains unclear.